The following is an entry in ClinVar:

ClinVar aggregate classification (germline): Uncertain significance (1 of 4 stars; one submission).

Conditions:
RYR1-related disorder. Also called: RYR1-related condition; RYR1-related disorders. Identifiers: MedGen CN239331.

Allele frequency attached by ClinVar (database versions not stated): gnomAD exomes below 0.00001; TOPMed below 0.00001; ExAC 0.00001.
gnomAD v4.1: 3 of 1,614,078 alleles (0.00019%); highest among the groups gnomAD compares: African/African-American, 0.0013%; no homozygotes.

Submission:

Labcorp Genetics (formerly Invitae), Labcorp
Classification: Uncertain significance for RYR1-related disorder. Last evaluated: 2018-01-24. Review status: criteria provided, single submitter. Criteria: Invitae Variant Classification Sherloc (09022015). Collection method: clinical testing. Allele origin: germline.
Comment: This sequence change replaces isoleucine with valine at codon 754 of the RYR1 protein (p.Ile754Val). The isoleucine residue is highly conserved and there is a small physicochemical difference between isoleucine and valine. In summary, the available evidence is currently insufficient to determine the role of this variant in disease. Therefore, it has been classified as a Variant of Uncertain Significance. Algorithms developed to predict the effect of missense changes on protein structure and function do not agree on the potential impact of this missense change (SIFT: "Deleterious"; PolyPhen-2: "Possibly Damaging"; Align-GVGD: "Class C0"). This variant has not been reported in the literature in individuals with RYR1-related disease. This variant is present in population databases (rs780322180, ExAC 0.01%).

NM_000540.3(RYR1):c.2260A>G (p.Ile754Val)

Gene: RYR1 (ryanodine receptor 1; plus strand). Cytogenetic location: 19q13.2.
Variant type: single nucleotide variant.
Coding change: c.2260A>G on transcript NM_000540.3 (MANE Select); coding-DNA position 2260, A replaced by G.
Protein change: p.Ile754Val; replaces isoleucine 754 with valine.
Molecular consequence: missense variant.
Genome position (GRCh38, 1-based): chr19:38,459,238, A>G. VCF-style: chr19-38459238-A-G. GRCh37 (hg19) VCF-style: chr19-38949878-A-G.
Other names: c.2260A>G, p.Ile754Val (NM_001042723.2); short protein forms I754V.
Identifiers: ClinVar variation 544411 (VCV000544411.8), dbSNP rs780322180, ClinGen allele CA063063.